The following is an entry in ClinVar:

NM_004958.4(MTOR):c.2537A>G (p.Gln846Arg)

Gene: MTOR (mechanistic target of rapamycin kinase; minus strand). Cytogenetic location: 1p36.22.
Variant type: single nucleotide variant.
Coding change: c.2537A>G on transcript NM_004958.4 (MANE Select); coding-DNA position 2537, A replaced by G.
Protein change: p.Gln846Arg; replaces glutamine 846 with arginine.
Molecular consequence: missense variant.
Genome position (GRCh38, 1-based): chr1:11,231,412, T>C on the plus strand (A>G on the coding strand, the complement: MTOR is on the minus strand). VCF-style: chr1-11231412-T-C. GRCh37 (hg19) VCF-style: chr1-11291469-T-C.
Other names: c.2537A>G, p.Gln846Arg (NM_001386500.1); c.1289A>G, p.Gln430Arg (NM_001386501.1); short protein forms Q430R, Q846R.
Identifiers: ClinVar variation 2762631 (VCV002762631.3), dbSNP rs762881935, ClinGen allele CA590443.

ClinVar aggregate classification (germline): Uncertain significance (1 of 4 stars; one submission).

Allele frequency attached by ClinVar (database versions not stated): gnomAD exomes below 0.00001; ExAC 0.00001.
gnomAD v4.1: 2 of 1,614,108 alleles (0.00012%); highest among the groups gnomAD compares: South Asian, 0.0022%; no homozygotes.

Submission:

Labcorp Genetics (formerly Invitae), Labcorp
Classification: Uncertain significance. Last evaluated: 2024-01-29. Review status: criteria provided, single submitter. Criteria: Invitae Variant Classification Sherloc (09022015). Collection method: clinical testing. Allele origin: germline.
Comment: This sequence change replaces glutamine, which is neutral and polar, with arginine, which is basic and polar, at codon 846 of the MTOR protein (p.Gln846Arg). This variant is present in population databases (rs762881935, gnomAD 0.003%). This variant has not been reported in the literature in individuals affected with MTOR-related conditions. Advanced modeling of protein sequence and biophysical properties (such as structural, functional, and spatial information, amino acid conservation, physicochemical variation, residue mobility, and thermodynamic stability) performed at Invitae indicates that this missense variant is not expected to disrupt MTOR protein function with a negative predictive value of 95%. In summary, the available evidence is currently insufficient to determine the role of this variant in disease. Therefore, it has been classified as a Variant of Uncertain Significance.